The following is an entry in ClinVar:

NM_007294.4(BRCA1):c.1729G>C (p.Glu577Gln)

Gene: BRCA1 (BRCA1 DNA repair associated; minus strand). Cytogenetic location: 17q21.31.
Variant type: single nucleotide variant.
Coding change: c.1729G>C on transcript NM_007294.4 (MANE Select); coding-DNA position 1729, G replaced by C.
Protein change: p.Glu577Gln; replaces glutamic acid 577 with glutamine.
Molecular consequence: missense variant. On other transcripts: intron variant (137).
Genome position (GRCh38, 1-based): chr17:43,093,802, C>G on the plus strand (G>C on the coding strand, the complement: BRCA1 is on the minus strand). VCF-style: chr17-43093802-C-G. GRCh37 (hg19) VCF-style: chr17-41245819-C-G.
Other names: c.1726G>C, p.Glu576Gln (NM_001407614.1, NM_001407615.1, NM_001407627.1 and 22 more transcripts); c.1729G>C, p.Glu577Gln (NM_001407616.1, NM_001407617.1, NM_001407618.1 and 30 more transcripts); c.1720G>C, p.Glu574Gln (NM_001407646.1, NM_001407647.1); c.1606G>C, p.Glu536Gln (NM_001407648.1, NM_001407664.1, NM_001407665.1 and 19 more transcripts); c.1603G>C, p.Glu535Gln (NM_001407649.1, NM_001407670.1, NM_001407671.1 and 11 more transcripts); c.1651G>C, p.Glu551Gln (NM_001407653.1, NM_001407654.1, NM_001407655.1 and 4 more transcripts); c.1648G>C, p.Glu550Gln (NM_001407659.1, NM_001407660.1, NM_001407661.1 and 1 more transcripts); c.1588G>C, p.Glu530Gln (NM_001407692.1, NM_001407694.1, NM_001407695.1 and 29 more transcripts); and 40 more; short protein forms E530Q, E577Q, E450Q, E506Q, E535Q, E551Q, E466Q, E510Q.
Identifiers: ClinVar variation 860128 (VCV000860128.15), dbSNP rs397508903, ClinGen allele CA057471.
Genomic context (GRCh38, chr17:43,093,802, plus strand): 5'-CGAGTTCCATATTGCTTATACTGCTGCTTATAGGTTCAGCTTTCGTTTTGAAAGCAGATT[C>G]TTTTTCGAGTGATTCTATTGGGTTAGGATTTTTCTCATTCTGAATAGAATCACCTTTTGT-3'
Protein context (NP_009225.1, residues 567-587): NPNPIESLEK[Glu577Gln]SAFKTKAEPI

ClinVar aggregate classification (germline): Conflicting classifications of pathogenicity. Review status: criteria provided, conflicting classifications (1 of 4 stars). 4 submissions from 4 submitters: Uncertain significance (3); Likely benign (1). Last evaluated 2024-11-28.

Conditions:
Hereditary cancer-predisposing syndrome. Also called: Tumor predisposition; Hereditary neoplastic syndrome; Neoplastic Syndromes, Hereditary; Hereditary Cancer Syndrome. Identifiers: Orphanet 140162, MedGen C0027672, MeSH D009386, MONDO:0015356.
Hereditary breast ovarian cancer syndrome. Also called: Hereditary breast and ovarian cancer; Breast and ovarian cancer; Hereditary breast and/or ovarian cancer syndrome; Hereditary breast and ovarian cancer syndrome; Hereditary breast and ovarian cancer syndrome (HBOC); BRCA1- and BRCA2-Associated Hereditary Breast and Ovarian Cancer. Identifiers: Orphanet 145, MedGen C0677776, MeSH D061325, MONDO:0003582. Disease mechanism: loss of function.

Allele frequency attached by ClinVar (database versions not stated): gnomAD exomes below 0.00001; ExAC 0.00001.
gnomAD v4.1: 1 of 1,613,516 alleles (0.000062%); highest among the groups gnomAD compares: Admixed American, 0.0017%; no homozygotes.

Submissions (4):

Labcorp Genetics (formerly Invitae), Labcorp
Classification: Uncertain significance for Hereditary breast ovarian cancer syndrome. Last evaluated: 2024-11-28. Review status: criteria provided, single submitter. Criteria: Invitae Variant Classification Sherloc (09022015). Collection method: clinical testing. Allele origin: germline.
Comment: This sequence change replaces glutamic acid, which is acidic and polar, with glutamine, which is neutral and polar, at codon 577 of the BRCA1 protein (p.Glu577Gln). This variant is present in population databases (rs397508903, gnomAD 0.003%). This variant has not been reported in the literature in individuals affected with BRCA1-related conditions. ClinVar contains an entry for this variant (Variation ID: 860128). Invitae Evidence Modeling of protein sequence and biophysical properties (such as structural, functional, and spatial information, amino acid conservation, physicochemical variation, residue mobility, and thermodynamic stability) has been performed for this missense variant. However, the output from this modeling did not meet the statistical confidence thresholds required to predict the impact of this variant on BRCA1 protein function. In summary, the available evidence is currently insufficient to determine the role of this variant in disease. Therefore, it has been classified as a Variant of Uncertain Significance.

Color Diagnostics, LLC DBA Color Health
Classification: Uncertain significance for Hereditary cancer-predisposing syndrome. Last evaluated: 2024-04-29. Review status: criteria provided, single submitter. Criteria: ACMG Guidelines, 2015. Collection method: clinical testing. Allele origin: germline.
Comment: This missense variant replaces glutamic acid with glutamine at codon 577 of the BRCA1 protein. Computational prediction is inconclusive regarding the impact of this variant on protein structure and function. To our knowledge, functional studies have not been reported for this variant. This variant has been reported in an individual affected with breast cancer (PMID: 26543556). This variant has been identified in 1/250758 chromosomes in the general population by the Genome Aggregation Database (gnomAD). The available evidence is insufficient to determine the role of this variant in disease conclusively. Therefore, this variant is classified as a Variant of Uncertain Significance.

Ambry Genetics
Classification: Uncertain significance for Hereditary cancer-predisposing syndrome. Last evaluated: 2023-10-28. Review status: criteria provided, single submitter. Criteria: Ambry Variant Classification Scheme 2023. Collection method: clinical testing. Allele origin: germline.
Comment: The p.E577Q variant (also known as c.1729G>C), located in coding exon 9 of the BRCA1 gene, results from a G to C substitution at nucleotide position 1729. The glutamic acid at codon 577 is replaced by glutamine, an amino acid with highly similar properties. This amino acid position is highly conserved in available vertebrate species. In addition, the in silico prediction for this alteration is inconclusive. Since supporting evidence is limited at this time, the clinical significance of this alteration remains unclear.

University of Washington Department of Laboratory Medicine, University of Washington
Classification: Likely benign for Hereditary cancer-predisposing syndrome. Last evaluated: 2023-03-23. Review status: criteria provided, single submitter. Criteria: Dines et al. (Genet Med. 2020). Collection method: curation. Allele origin: germline.
Comment: Missense variant in a coldspot region where missense variants are very unlikely to be pathogenic (PMID:31911673).

BRCA1 coldspot (exon 11 using historical exon numbering). Reclassification based on statistical prior probability

Literature cited by the submitters: PubMed 26543556 (cited by Color Diagnostics, LLC DBA Color Health).